The following is an entry in ClinVar:

NM_001267550.2(TTN):c.65243C>T (p.Pro21748Leu)

Genes: TTN (titin; minus strand), TTN-AS1 (TTN antisense RNA 1; plus strand). Cytogenetic location: 2q31.2.
Variant type: single nucleotide variant.
Coding change: c.65243C>T on transcript NM_001267550.2 (MANE Select); coding-DNA position 65243, C replaced by T.
Protein change: p.Pro21748Leu; replaces proline 21748 with leucine.
Molecular consequence: missense variant.
Genome position (GRCh38, 1-based): chr2:178,584,308, G>A on the plus strand (C>T on the coding strand, the complement: TTN is on the minus strand). VCF-style: chr2-178584308-G-A. GRCh37 (hg19) VCF-style: chr2-179449035-G-A.
Other names: c.57539C>T, p.Pro19180Leu (NM_133378.4); c.60320C>T, p.Pro20107Leu (NM_001256850.1); c.38048C>T, p.Pro12683Leu (NM_003319.4); c.38423C>T, p.Pro12808Leu (NM_133432.3); c.38624C>T, p.Pro12875Leu (NM_133437.4); short protein forms P19180L, P21748L, P12808L, P20107L, P12683L, P12875L.
Identifiers: ClinVar variation 504957 (VCV000504957.5), dbSNP rs1419714561, ClinGen allele CA349434653.

ClinVar aggregate classification (germline): Uncertain significance (1 of 4 stars; one submission).

Allele frequency attached by ClinVar (database versions not stated): gnomAD exomes below 0.00001.
gnomAD v4.1: 4 of 1,595,240 alleles (0.00025%); highest among the groups gnomAD compares: Admixed American, 0.0068%; no homozygotes.

Submission:

Laboratory for Molecular Medicine, Mass General Brigham Personalized Medicine
Classification: Uncertain significance. Last evaluated: 2017-03-02. Review status: criteria provided, single submitter. Criteria: LMM Criteria. Collection method: clinical testing. Allele origin: germline. Observed: 2 variant alleles.
Comment: The p.Pro19180Leu variant in TTN has not been previously reported in individuals with cardiomyopathy. It has been identified in 1/32626 Latino chromosomes by th e Genome Aggregation Database (gnomAD). Compu tational prediction tools and conservation analysis suggest that this variant ma y impact the protein, though this information is not predictive enough to determ ine pathogenicity. In summary, the clinical significance of the p.Pro19180Leu va riant is uncertain.